The following is an entry in ClinVar:

ClinVar aggregate classification (germline): Pathogenic (0 of 4 stars; one submission).

Conditions:
SLC35A2-congenital disorder of glycosylation. Also called: EPILEPTIC ENCEPHALOPATHY, EARLY INFANTILE, 22; CONGENITAL DISORDER OF GLYCOSYLATION, TYPE IIm; CDG IIm; CONGENITAL DISORDER OF GLYCOSYLATION, TYPE IIm, SOMATIC MOSAIC; SLC35A2-CDG; DEVELOPMENTAL AND EPILEPTIC ENCEPHALOPATHY 22. Identifiers: Orphanet 356961, MedGen C3806688, MONDO:0010478, OMIM 300896.

Submission:

Unidade de Bioquimica Genetica, Centro Hospitalar do Porto
Classification: Pathogenic for SLC35A2-congenital disorder of glycosylation. Last evaluated: 2018-10-05. Review status: no assertion criteria provided. Collection method: clinical testing. Allele origin: germline. Affected: yes. Observed: 2 variant alleles.

NM_005660.3(SLC35A2):c.233A>G (p.Lys78Arg)

Gene: SLC35A2 (solute carrier family 35 member A2; minus strand). Cytogenetic location: Xp11.23.
Variant type: single nucleotide variant.
Coding change: c.233A>G on transcript NM_005660.3 (MANE Select); coding-DNA position 233, A replaced by G.
Protein change: p.Lys78Arg; replaces lysine 78 with arginine.
Molecular consequence: missense variant. On other transcripts: intron variant (1).
Genome position (GRCh38, 1-based): chrX:48,909,855, T>C on the plus strand (A>G on the coding strand, the complement: SLC35A2 is on the minus strand). VCF-style: chrX-48909855-T-C. GRCh37 (hg19) VCF-style: chrX-48767132-T-C.
Other names: c.233A>G, p.Lys78Arg (NM_001032289.3, NM_001042498.3, NM_001282647.2); c.161A>G, p.Lys54Arg (NM_001282648.2); c.272A>G, p.Lys91Arg (NM_001282650.2); c.317A>G, p.Lys106Arg (NM_001282651.2); c.91+1691A>G (NM_001282649.2); short protein forms K78R, K54R, K106R, K91R.
Identifiers: ClinVar variation 586961 (VCV000586961.4), dbSNP rs1569511572, ClinGen allele CA412897667.